The following is an entry in ClinVar:

ClinVar aggregate classification (germline): Uncertain significance (1 of 4 stars; one submission).

Conditions:
Inborn genetic diseases. Identifiers: MedGen C0950123, MeSH D030342.

Allele frequency attached by ClinVar (database versions not stated): gnomAD exomes below 0.00001.
gnomAD v4.1: 1 of 1,613,624 alleles (0.000062%); highest among the groups gnomAD compares: Non-Finnish European, 0.000085%; no homozygotes.

Submission:

Ambry Genetics
Classification: Uncertain significance for Inborn genetic diseases. Last evaluated: 2021-09-30. Review status: criteria provided, single submitter. Criteria: Ambry Variant Classification Scheme 2023. Collection method: clinical testing. Allele origin: germline.
Comment: The p.K287R variant (also known as c.860A>G), located in coding exon 5 of the GAN gene, results from an A to G substitution at nucleotide position 860. The lysine at codon 287 is replaced by arginine, an amino acid with highly similar properties. This amino acid position is conserved. In addition, this alteration is predicted to be tolerated by in silico analysis. Since supporting evidence is limited at this time, the clinical significance of this alteration remains unclear.

NM_022041.4(GAN):c.860A>G (p.Lys287Arg)

Gene: GAN (gigaxonin; plus strand). Cytogenetic location: 16q23.2.
Variant type: single nucleotide variant.
Coding change: c.860A>G on transcript NM_022041.4 (MANE Select); coding-DNA position 860, A replaced by G.
Protein change: p.Lys287Arg; replaces lysine 287 with arginine.
Molecular consequence: missense variant.
Genome position (GRCh38, 1-based): chr16:81,357,818, A>G. VCF-style: chr16-81357818-A-G. GRCh37 (hg19) VCF-style: chr16-81391423-A-G.
Other names: c.221A>G, p.Lys74Arg (NM_001377486.1); short protein forms K287R, K74R.
Identifiers: ClinVar variation 1764033 (VCV001764033.2), dbSNP rs1457651927, ClinGen allele CA396873084.